The following is an entry in ClinVar:

ClinVar aggregate classification (germline): Likely pathogenic (1 of 4 stars; one submission).

Conditions:
Charcot-Marie-Tooth disease type 2A2. Also called: Charcot-Marie-Tooth Neuropathy Type 2A2; CHARCOT-MARIE-TOOTH DISEASE, AXONAL, TYPE 2A2; CHARCOT-MARIE-TOOTH DISEASE, NEURONAL, TYPE 2A2; HEREDITARY MOTOR AND SENSORY NEUROPATHY IIA2; HMSN IIA2; CHARCOT-MARIE-TOOTH DISEASE, AXONAL, AUTOSOMAL DOMINANT, TYPE 2A2A. Identifiers: Orphanet 99947, MedGen C4721887, MONDO:0012231, OMIM 609260.

Submission:

Neuberg Centre For Genomic Medicine, NCGM
Classification: Likely pathogenic for Charcot-Marie-Tooth disease type 2A2. Review status: criteria provided, single submitter. Criteria: ACMG Guidelines, 2015. Collection method: clinical testing. Allele origin: germline. Inheritance: Autosomal dominant inheritance. Affected: yes.
Comment: The missense variant is previously reported in affected patients. Other missense variants affecting the Arg94 residue have been reported to be disease causing (Pipis, Menelaos, et al). The p.Arg94Leu variant is novel (not in any individuals) in gnomAD Exomes and 1000 Genomes. The amino acid Arg at position 94 is changed to a Leu changing protein sequence and it might alter its composition and physico-chemical properties. This variant has not been reported to the ClinVar database. The variant is predicted to be damaging by both SIFT and PolyPhen2. The residue is conserved across species. The amino acid change p.Arg94Leu in MFN2 is predicted as conserved by GERP++ and PhyloP across 100 vertebrates. Hence the variant has been classified as Likely Pathogenic.

NM_014874.4(MFN2):c.281G>T (p.Arg94Leu)

Gene: MFN2 (mitofusin 2; plus strand). Cytogenetic location: 1p36.22.
Variant type: single nucleotide variant.
Coding change: c.281G>T on transcript NM_014874.4 (MANE Select); coding-DNA position 281, G replaced by T.
Protein change: p.Arg94Leu; replaces arginine 94 with leucine.
Molecular consequence: missense variant.
Genome position (GRCh38, 1-based): chr1:11,992,660, G>T. VCF-style: chr1-11992660-G-T. GRCh37 (hg19) VCF-style: chr1-12052717-G-T.
Other names: c.281G>T, p.Arg94Leu (NM_001127660.2); short protein forms R94L.
Identifiers: ClinVar variation 2585245 (VCV002585245.1), dbSNP rs28940291, ClinGen allele CA338462165.